The following is an entry in ClinVar:

ClinVar aggregate classification (germline): Pathogenic (1 of 4 stars; one submission).

Conditions:
Ehlers-Danlos syndrome, classic type, 1 (EDSCL1). Also called: EHLERS-DANLOS SYNDROME, GRAVIS TYPE; EHLERS-DANLOS SYNDROME, SEVERE CLASSIC TYPE; Ehlers-Danlos syndrome, type 1; Ehlers-Danlos Syndrome, Classic Type, COL5A1-Related; EDS I. Identifiers: MedGen C0268335, MONDO:0019567, OMIM 130000.

Submission:

Labcorp Genetics (formerly Invitae), Labcorp
Classification: Pathogenic for Ehlers-Danlos syndrome, classic type, 1. Last evaluated: 2023-06-28. Review status: criteria provided, single submitter. Criteria: Invitae Variant Classification Sherloc (09022015). Collection method: clinical testing. Allele origin: unknown.
Comment: This variant has not been reported in the literature in individuals affected with COL5A2-related conditions. This variant is a gross deletion of the genomic region encompassing exon(s) 32-54 of the COL5A2 gene, which includes the termination codon. This deletion extends beyond the assayed region for this gene and therefore may encompass additional genes. While this deletion is not anticipated to lead to nonsense mediated decay, it is expected to alter mRNA translation or result in a truncated protein product. This variant disrupts a region of the COL5A2 protein in which other variant(s) (p.Gly1149Arg) have been determined to be pathogenic (PMID: 9783710; Invitae). This suggests that this is a clinically significant region of the protein, and that variants that disrupt it are likely to be disease-causing. For these reasons, this variant has been classified as Pathogenic.

Literature cited by the submitters: PubMed 9783710.

NC_000002.11:g.(?_189839216)_(189923639_?)del

Genes: COL3A1 (collagen type III alpha 1 chain; plus strand), COL5A2 (collagen type V alpha 2 chain; minus strand). Cytogenetic location: 2q32.2.
Variant type: Deletion.
Identifiers: ClinVar variation 3247150 (VCV003247150.1).